The following is an entry in ClinVar:

NM_032242.4(PLXNA1):c.2818T>C (p.Cys940Arg)

Gene: PLXNA1 (plexin A1; plus strand). Cytogenetic location: 3q21.3.
Variant type: single nucleotide variant.
Coding change: c.2818T>C on transcript NM_032242.4 (MANE Select); coding-DNA position 2818, T replaced by C.
Protein change: p.Cys940Arg; replaces cysteine 940 with arginine.
Molecular consequence: missense variant.
Genome position (GRCh38, 1-based): chr3:127,014,772, T>C. VCF-style: chr3-127014772-T-C. GRCh37 (hg19) VCF-style: chr3-126733615-T-C.
Other names: short protein forms C940R.
Identifiers: ClinVar variation 3356907 (VCV003356907.2).

ClinVar aggregate classification (germline): Uncertain significance. Review status: criteria provided, single submitter (1 of 4 stars). 2 submissions from 2 submitters: Uncertain significance (1). 1 of the submissions does not count toward it. Last evaluated 2025-04-07.

Conditions:
PLXNA1-related disorder. Also called: PLXNA1-related condition.

Submissions (2):

Ambry Genetics
Classification: Uncertain significance. Last evaluated: 2025-04-07. Review status: criteria provided, single submitter. Criteria: Ambry Variant Classification Scheme 2023. Collection method: clinical testing. Allele origin: germline.

PreventionGenetics, part of Exact Sciences
Classification: Uncertain significance for PLXNA1-related condition. Last evaluated: 2024-07-08. Review status: no assertion criteria provided. Collection method: clinical testing. Allele origin: germline. Not counted in ClinVar's aggregate classification.
Comment: The PLXNA1 c.2818T>C variant is predicted to result in the amino acid substitution p.Cys940Arg. To our knowledge, this variant has not been reported in the literature or in a large population database, indicating this variant is rare. At this time, the clinical significance of this variant is uncertain due to the absence of conclusive functional and genetic evidence.